The following is an entry in ClinVar:

NM_000038.6(APC):c.1681A>G (p.Lys561Glu)

Gene: APC (APC regulator of Wnt signaling pathway; plus strand). Cytogenetic location: 5q22.2.
Variant type: single nucleotide variant.
Coding change: c.1681A>G on transcript NM_000038.6 (MANE Select); coding-DNA position 1681, A replaced by G.
Protein change: p.Lys561Glu; replaces lysine 561 with glutamic acid.
Molecular consequence: missense variant.
Genome position (GRCh38, 1-based): chr5:112,828,910, A>G. VCF-style: chr5-112828910-A-G. GRCh37 (hg19) VCF-style: chr5-112164607-A-G.
Other names: c.1681A>G, p.Lys561Glu (NM_001127510.3, NM_001354895.2, NM_001407450.1); c.1627A>G, p.Lys543Glu (NM_001127511.3); c.1735A>G, p.Lys579Glu (NM_001354896.2, NM_001407447.1, NM_001407448.1 and 1 more transcripts); c.1711A>G, p.Lys571Glu (NM_001354897.2); c.1606A>G, p.Lys536Glu (NM_001354898.2); c.1597A>G, p.Lys533Glu (NM_001354899.2); c.1558A>G, p.Lys520Glu (NM_001354900.2); c.1504A>G, p.Lys502Glu (NM_001354901.2, NM_001407453.1); and 12 more; short protein forms K177E, K278E, K401E, K432E, K435E, K460E, K470E, K478E.
Identifiers: ClinVar variation 3386249 (VCV003386249.3).

ClinVar aggregate classification (germline): Uncertain significance. Review status: criteria provided, multiple submitters, no conflicts (2 of 4 stars). 3 submissions from 3 submitters: Uncertain significance (3). Last evaluated 2025-05-01.

Conditions:
Classic or attenuated familial adenomatous polyposis. Identifiers: MedGen CN372698, MONDO:0021057.
Hereditary cancer-predisposing syndrome. Also called: Neoplastic Syndromes, Hereditary; Hereditary Cancer Syndrome; Tumor predisposition; Hereditary neoplastic syndrome. Identifiers: Orphanet 140162, MedGen C0027672, MeSH D009386, MONDO:0015356.

Submissions (3):

Ambry Genetics
Classification: Uncertain significance for Hereditary cancer-predisposing syndrome. Last evaluated: 2025-05-01. Review status: criteria provided, single submitter. Criteria: Ambry Variant Classification Scheme 2023. Collection method: clinical testing. Allele origin: germline.
Comment: The p.K561E variant (also known as c.1681A>G), located in coding exon 13 of the APC gene, results from an A to G substitution at nucleotide position 1681. The lysine at codon 561 is replaced by glutamic acid, an amino acid with similar properties. This amino acid position is highly conserved in available vertebrate species. In addition, in silico predictors for this gene do not accurately predict pathogenicity. Missense alterations in APC are not a common cause of disease (Spier I et al. Genet Med. 2024 Feb;26(2):100992). Based on the available evidence, the clinical significance of this variant remains unclear.

All of Us Research Program, National Institutes of Health
Classification: Uncertain significance for Classic or attenuated familial adenomatous polyposis. Last evaluated: 2024-05-14. Review status: criteria provided, single submitter. Criteria: ACMG Guidelines, 2015. Collection method: clinical testing. Allele origin: germline. Inheritance: Autosomal dominant inheritance. Observed: 1 variant allele, 1 heterozygote.
Comment: This missense variant replaces lysine with glutamic acid at codon 561 of the APC protein. Computational prediction suggests that this variant may not impact protein structure and function (internally defined REVEL score threshold <= 0.5, PMID: 27666373). To our knowledge, functional studies have not been reported for this variant. This variant has not been reported in individuals affected with APC-related disorders in the literature. This variant has not been identified in the general population by the Genome Aggregation Database (gnomAD). The available evidence is insufficient to determine the role of this variant in disease conclusively. Therefore, this variant is classified as a Variant of Uncertain Significance.

This study involves interpretation of variants in research participants for the purpose of population health screening. Participant phenotype was not available at the time of variant classification. Additional details can be found in publication PMID: 35346344, PMCID: PMC8962531

Color Diagnostics, LLC DBA Color Health
Classification: Uncertain significance for Hereditary cancer-predisposing syndrome. Last evaluated: 2024-04-24. Review status: criteria provided, single submitter. Criteria: ACMG Guidelines, 2015. Collection method: clinical testing. Allele origin: germline.
Comment: This missense variant replaces lysine with glutamic acid at codon 561 of the APC protein. Computational prediction suggests that this variant may not impact protein structure and function. To our knowledge, functional studies have not been reported for this variant. This variant has not been reported in individuals affected with APC-related disorders in the literature. This variant has not been identified in the general population by the Genome Aggregation Database (gnomAD). The available evidence is insufficient to determine the role of this variant in disease conclusively. Therefore, this variant is classified as a Variant of Uncertain Significance.